The following is an entry in ClinVar:

ClinVar aggregate classification (germline): Conflicting classifications of pathogenicity. Review status: criteria provided, conflicting classifications (1 of 4 stars). 4 submissions from 4 submitters: Uncertain significance (2); Benign (1); Likely benign (1). Last evaluated 2025-12-22.

Conditions:
Ehlers-Danlos syndrome, classic type, 1 (EDSCL1). Also called: EHLERS-DANLOS SYNDROME, GRAVIS TYPE; EHLERS-DANLOS SYNDROME, SEVERE CLASSIC TYPE; Ehlers-Danlos syndrome, type 1; Ehlers-Danlos Syndrome, Classic Type, COL5A1-Related; EDS I. Identifiers: MedGen C0268335, MONDO:0019567, OMIM 130000.
Familial thoracic aortic aneurysm and aortic dissection (TAAD). Also called: Thoracic aortic aneurysms and dissections. Identifiers: Orphanet 91387, MedGen C4707243, MONDO:0019625.

Allele frequency attached by ClinVar (database versions not stated): gnomAD exomes 0.00002; TOPMed 0.00002; ExAC 0.00003; gnomAD 0.00001.
gnomAD v4.1: 40 of 1,613,940 alleles (0.0025%); highest among the groups gnomAD compares: Middle Eastern, 0.016%; no homozygotes.

Submissions (4):

Labcorp Genetics (formerly Invitae), Labcorp
Classification: Benign for Ehlers-Danlos syndrome, classic type, 1. Last evaluated: 2025-12-22. Review status: criteria provided, single submitter. Criteria: Invitae Variant Classification Sherloc (09022015). Collection method: clinical testing. Allele origin: germline.

GeneDx
Classification: Uncertain significance. Last evaluated: 2024-09-04. Review status: criteria provided, single submitter. Criteria: GeneDx Variant Classification Process June 2021. Collection method: clinical testing. Allele origin: germline. Affected: yes.
Comment: Has not been previously published as pathogenic or benign to our knowledge; In silico analysis supports that this missense variant has a deleterious effect on protein structure/function; Occurs in the triple helical domain at the X position in the canonical Gly-X-Y repeat; although this variant may have an effect on normal protein folding and function, missense substitution at the X position is not a common mechanism of disease (PMID: 22696272; HGMD); This variant is associated with the following publications: (PMID: 22696272)

Blueprint Genetics
Classification: Likely benign. Last evaluated: 2024-03-18. Review status: criteria provided, single submitter. Criteria: ACMG Guidelines, 2015. Collection method: clinical testing. Allele origin: germline.

Ambry Genetics
Classification: Uncertain significance for Familial thoracic aortic aneurysm and aortic dissection. Last evaluated: 2023-03-14. Review status: criteria provided, single submitter. Criteria: Ambry Variant Classification Scheme 2023. Collection method: clinical testing. Allele origin: germline.
Comment: The p.P1538L variant (also known as c.4613C>T), located in coding exon 60 of the COL5A1 gene, results from a C to T substitution at nucleotide position 4613. The proline at codon 1538 is replaced by leucine, an amino acid with similar properties. This amino acid position is highly conserved in available vertebrate species. In addition, the in silico prediction for this alteration is inconclusive. Since supporting evidence is limited at this time, the clinical significance of this alteration remains unclear.

NM_000093.5(COL5A1):c.4613C>T (p.Pro1538Leu)

Genes: COL5A1 (collagen type V alpha 1 chain; plus strand), LOC101448202 (uncharacterized LOC101448202; minus strand). Cytogenetic location: 9q34.3.
Variant type: single nucleotide variant.
Coding change: c.4613C>T on transcript NM_000093.5 (MANE Select); coding-DNA position 4613, C replaced by T.
Protein change: p.Pro1538Leu; replaces proline 1538 with leucine.
Molecular consequence: missense variant.
Genome position (GRCh38, 1-based): chr9:134,823,002, C>T. VCF-style: chr9-134823002-C-T. GRCh37 (hg19) VCF-style: chr9-137714848-C-T.
Other names: p.P1538L:CCG>CTG; c.4613C>T, p.Pro1538Leu (NM_001278074.1); short protein forms P1538L.
Identifiers: ClinVar variation 213055 (VCV000213055.14), dbSNP rs775335297, ClinGen allele CA322157.